The following is an entry in ClinVar:

ClinVar aggregate classification (germline): Uncertain significance (1 of 4 stars; one submission).

Submission:

Ambry Genetics
Classification: Uncertain significance. Last evaluated: 2026-05-01. Review status: criteria provided, single submitter. Criteria: Ambry Variant Classification Scheme 2023. Collection method: clinical testing. Allele origin: germline.
Comment: The c.3591_3593delCAA variant (also known as p.N1197del) is located in coding exon 5 of the MLH3 gene. This variant results from an in-frame CAA deletion at nucleotide positions 3591 to 3593. This results in the in-frame deletion of an asparagine at codon 1197. This amino acid position is well conserved in available vertebrate species. Based on the available evidence, the clinical significance of this variant remains unclear.

NM_001040108.2(MLH3):c.3591_3593del (p.Asn1197del)

Gene: MLH3 (mutL homolog 3; minus strand). Cytogenetic location: 14q24.3.
Variant type: Deletion.
Coding change: c.3591_3593del on transcript NM_001040108.2 (MANE Select); coding-DNA positions 3591 to 3593, 3 bases deleted (CAA; older notation c.3591_3593delCAA).
Protein change: p.Asn1197del; deletes asparagine 1197.
Molecular consequence: inframe deletion. On other transcripts: inframe indel (1).
Genome position (GRCh38, 1-based): chr14:75,038,390-75,038,392, TTG deleted on the plus strand (CAA on the coding strand, the reverse complement: MLH3 is on the minus strand); deleting any 3 consecutive bases within chr14:75,038,390-75,038,394 gives the same sequence; the c. name uses the placement nearest the transcript's 3' end. VCF-style (leftmost placement, unchanged base first): chr14-75038389-CTTG-C. GRCh37 (hg19) VCF-style: chr14-75505092-CTTG-C.
Other names: c.3591_3593del, p.Asn1197del (NM_014381.3); c.3591_3593delCAA (NM_001040108.1); short protein forms N1197del.
Identifiers: ClinVar variation 4860136 (VCV004860136.1).